The following is an entry in ClinVar:

ClinVar aggregate classification (germline): Uncertain significance (1 of 4 stars; one submission).

gnomAD v4.1: 1 of 1,610,060 alleles (0.000062%); no homozygotes.

Submission:

Labcorp Genetics (formerly Invitae), Labcorp
Classification: Uncertain significance. Last evaluated: 2024-10-15. Review status: criteria provided, single submitter. Criteria: Invitae Variant Classification Sherloc (09022015). Collection method: clinical testing. Allele origin: germline.
Comment: This sequence change replaces glycine, which is neutral and non-polar, with glutamic acid, which is acidic and polar, at codon 108 of the PDHX protein (p.Gly108Glu). This variant is not present in population databases (gnomAD no frequency). This variant has not been reported in the literature in individuals affected with PDHX-related conditions. ClinVar contains an entry for this variant (Variation ID: 2121535). Invitae Evidence Modeling of protein sequence and biophysical properties (such as structural, functional, and spatial information, amino acid conservation, physicochemical variation, residue mobility, and thermodynamic stability) indicates that this missense variant is expected to disrupt PDHX protein function with a positive predictive value of 80%. In summary, the available evidence is currently insufficient to determine the role of this variant in disease. Therefore, it has been classified as a Variant of Uncertain Significance.

NM_003477.3(PDHX):c.323G>A (p.Gly108Glu)

Gene: PDHX (pyruvate dehydrogenase complex component X; plus strand). Cytogenetic location: 11p13.
Variant type: single nucleotide variant.
Coding change: c.323G>A on transcript NM_003477.3 (MANE Select); coding-DNA position 323, G replaced by A.
Protein change: p.Gly108Glu; replaces glycine 108 with glutamic acid.
Molecular consequence: missense variant.
Genome position (GRCh38, 1-based): chr11:34,947,587, G>A. VCF-style: chr11-34947587-G-A. GRCh37 (hg19) VCF-style: chr11-34969134-G-A.
Other names: c.143G>A, p.Gly48Glu (NM_001135024.2); c.323G>A, p.Gly108Glu (NM_001166158.2); short protein forms G108E, G48E.
Identifiers: ClinVar variation 2121535 (VCV002121535.3), dbSNP rs2494684714, ClinGen allele CA380116001.
Genomic context (GRCh38, chr11:34,947,587, plus strand): 5'-ATGCATTATGTGAAATTGAGACTGACAAAGCTGTGGTTACCTTAGATGCAAGTGATGATG[G>A]AATCTTGGCCAAAATCGTGGTAAGTTTTTATTTTAATTTTCTTCAACAGGATGAAGATTT-3'
Protein context (NP_003468.2, residues 98-118): AVVTLDASDD[Gly108Glu]ILAKIVVEEG